The following is an entry in ClinVar:

ClinVar aggregate classification (germline): Uncertain significance (1 of 4 stars; one submission).

Allele frequency attached by ClinVar (database versions not stated): gnomAD 0.00001; gnomAD exomes 0.00001; ExAC 0.00004.

Submission:

Labcorp Genetics (formerly Invitae), Labcorp
Classification: Uncertain significance. Last evaluated: 2024-01-06. Review status: criteria provided, single submitter. Criteria: Invitae Variant Classification Sherloc (09022015). Collection method: clinical testing. Allele origin: germline.
Comment: This sequence change replaces glutamic acid, which is acidic and polar, with lysine, which is basic and polar, at codon 895 of the SPEG protein (p.Glu895Lys). The frequency data for this variant in the population databases is considered unreliable, as metrics indicate poor data quality at this position in the gnomAD database. This variant has not been reported in the literature in individuals affected with SPEG-related conditions. An algorithm developed to predict the effect of missense changes on protein structure and function (PolyPhen-2) suggests that this variant is likely to be tolerated. In summary, the available evidence is currently insufficient to determine the role of this variant in disease. Therefore, it has been classified as a Variant of Uncertain Significance.

NM_005876.5(SPEG):c.2683G>A (p.Glu895Lys)

Gene: SPEG (striated muscle enriched protein kinase; plus strand). Cytogenetic location: 2q35.
Variant type: single nucleotide variant.
Coding change: c.2683G>A on transcript NM_005876.5 (MANE Select); coding-DNA position 2683, G replaced by A.
Protein change: p.Glu895Lys; replaces glutamic acid 895 with lysine.
Molecular consequence: missense variant.
Genome position (GRCh38, 1-based): chr2:219,462,364, G>A. VCF-style: chr2-219462364-G-A. GRCh37 (hg19) VCF-style: chr2-220327086-G-A.
Other names: c.136G>A, p.Glu46Lys (NM_001173476.2); short protein forms E46K, E895K.
Identifiers: ClinVar variation 2963134 (VCV002963134.3), dbSNP rs752042435, ClinGen allele CA2125918.